The following is an entry in ClinVar:

NM_005618.4(DLL1):c.1195G>A (p.Gly399Ser)

Gene: DLL1 (delta like canonical Notch ligand 1; minus strand). Cytogenetic location: 6q27.
Variant type: single nucleotide variant.
Coding change: c.1195G>A on transcript NM_005618.4 (MANE Select); coding-DNA position 1195, G replaced by A.
Protein change: p.Gly399Ser; replaces glycine 399 with serine.
Molecular consequence: missense variant.
Genome position (GRCh38, 1-based): chr6:170,284,973, C>T on the plus strand (G>A on the coding strand, the complement: DLL1 is on the minus strand). VCF-style: chr6-170284973-C-T. GRCh37 (hg19) VCF-style: chr6-170594061-C-T.
Other names: short protein forms G399S.
Identifiers: ClinVar variation 2688945 (VCV002688945.5), dbSNP rs112145095, ClinGen allele CA4106905.

ClinVar aggregate classification (germline): Uncertain significance. Review status: criteria provided, multiple submitters, no conflicts (2 of 4 stars). 2 submissions from 2 submitters: Uncertain significance (2). Last evaluated 2025-01-20.

Conditions:
Neurodevelopmental disorder with nonspecific brain abnormalities and with or without seizures. Identifiers: MedGen C5231470, MONDO:0032877, OMIM 618709.

Allele frequency attached by ClinVar (database versions not stated): ExAC 0.00001; gnomAD exomes 0.00001; TOPMed 0.00001; gnomAD 0.00002.

Submissions (2):

Labcorp Genetics (formerly Invitae), Labcorp
Classification: Uncertain significance. Last evaluated: 2025-01-20. Review status: criteria provided, single submitter. Criteria: Invitae Variant Classification Sherloc (09022015). Collection method: clinical testing. Allele origin: germline.
Comment: This sequence change replaces glycine, which is neutral and non-polar, with serine, which is neutral and polar, at codon 399 of the DLL1 protein (p.Gly399Ser). This variant is present in population databases (rs112145095, gnomAD 0.01%). This variant has not been reported in the literature in individuals affected with DLL1-related conditions. ClinVar contains an entry for this variant (Variation ID: 2688945). An algorithm developed to predict the effect of missense changes on protein structure and function (PolyPhen-2) suggests that this variant is likely to be disruptive. Experimental studies have shown that this missense change does not substantially affect DLL1 function (PMID: 34519870). In summary, the available evidence is currently insufficient to determine the role of this variant in disease. Therefore, it has been classified as a Variant of Uncertain Significance.

Revvity Omics, Revvity
Classification: Uncertain significance for Neurodevelopmental disorder with nonspecific brain abnormalities and with or without seizures. Last evaluated: 2023-02-03. Review status: criteria provided, single submitter. Criteria: ACMG Guidelines, 2015. Collection method: clinical testing. Allele origin: germline.

Literature cited by the submitters: PubMed 34519870 (cited by Labcorp Genetics (formerly Invitae), Labcorp).